The following is an entry in ClinVar:

NM_001940.4(ATN1):c.825G>A (p.Pro275=)

Gene: ATN1 (atrophin 1; plus strand). Cytogenetic location: 12p13.31.
Variant type: single nucleotide variant.
Coding change: c.825G>A on transcript NM_001940.4 (MANE Select); coding-DNA position 825, G replaced by A.
Protein change: p.Pro275=; no amino-acid change (proline 275 retained).
Molecular consequence: synonymous variant.
Genome position (GRCh38, 1-based): chr12:6,936,092, G>A. VCF-style: chr12-6936092-G-A. GRCh37 (hg19) VCF-style: chr12-7045255-G-A.
Other names: c.825G>A, p.Pro275= (NM_001007026.2, NM_001424176.1, NM_001424177.1 and 2 more transcripts); c.822G>A, p.Pro274= (NM_001424179.1, NM_001424180.1, NM_001424182.1).
Identifiers: ClinVar variation 2642642 (VCV002642642.24), dbSNP rs1555143574, ClinGen allele CA478518634.

ClinVar aggregate classification (germline): Likely benign (1 of 4 stars; one submission).

Allele frequency attached by ClinVar (database versions not stated): gnomAD 0.00001.

Submission:

CeGaT Center for Human Genetics Tuebingen
Classification: Likely benign. Last evaluated: 2022-04-01. Review status: criteria provided, single submitter. Criteria: CeGaT Center For Human Genetics Tuebingen Variant Classification Criteria Version 2. Collection method: clinical testing. Allele origin: germline. Affected: yes. Observed: 1 variant allele.
Comment: ATN1: BP4, BP7